The following is an entry in ClinVar:

NM_002693.3(POLG):c.1781T>C (p.Leu594Pro)

Gene: POLG (DNA polymerase gamma, catalytic subunit; minus strand). Cytogenetic location: 15q26.1.
Variant type: single nucleotide variant.
Coding change: c.1781T>C on transcript NM_002693.3 (MANE Select); coding-DNA position 1781, T replaced by C.
Protein change: p.Leu594Pro; replaces leucine 594 with proline.
Molecular consequence: missense variant.
Genome position (GRCh38, 1-based): chr15:89,325,618, A>G on the plus strand (T>C on the coding strand, the complement: POLG is on the minus strand). VCF-style: chr15-89325618-A-G. GRCh37 (hg19) VCF-style: chr15-89868849-A-G.
Other names: c.1781T>C, p.Leu594Pro (NM_001126131.2); short protein forms L594P.
Identifiers: ClinVar variation 965897 (VCV000965897.10), dbSNP rs2055505934, ClinGen allele CA393759377.

ClinVar aggregate classification (germline): Uncertain significance (1 of 4 stars; one submission).

Conditions:
Progressive sclerosing poliodystrophy (MTDPS4A). Also called: ALPERS PROGRESSIVE INFANTILE POLIODYSTROPHY; Mitochondrial DNA depletion syndrome 4A (Alpers type); ALPERS DIFFUSE DEGENERATION OF CEREBRAL GRAY MATTER WITH HEPATIC CIRRHOSIS; Alpers-Huttenlocher Syndrome; Alpers-Huttenlocher Syndrome (AHS); Alpers Syndrome. Identifiers: Orphanet 726, MedGen C0205710, MONDO:0008758, OMIM 203700.

Submission:

Labcorp Genetics (formerly Invitae), Labcorp
Classification: Uncertain significance for Progressive sclerosing poliodystrophy. Last evaluated: 2022-01-17. Review status: criteria provided, single submitter. Criteria: Invitae Variant Classification Sherloc (09022015). Collection method: clinical testing. Allele origin: germline.
Comment: Algorithms developed to predict the effect of missense changes on protein structure and function are either unavailable or do not agree on the potential impact of this missense change (SIFT: "Deleterious"; PolyPhen-2: "Probably Damaging"; Align-GVGD: "Class C0"). In summary, the available evidence is currently insufficient to determine the role of this variant in disease. Therefore, it has been classified as a Variant of Uncertain Significance. ClinVar contains an entry for this variant (Variation ID: 965897). This variant has not been reported in the literature in individuals affected with POLG-related conditions. This variant is not present in population databases (gnomAD no frequency). This sequence change replaces leucine, which is neutral and non-polar, with proline, which is neutral and non-polar, at codon 594 of the POLG protein (p.Leu594Pro).